The following is an entry in ClinVar:

ClinVar aggregate classification (germline): Uncertain significance (1 of 4 stars; one submission).

Conditions:
Catecholaminergic polymorphic ventricular tachycardia (CVPT). Also called: Catecholamine-induced polymorphic ventricular tachycardia. Identifiers: Orphanet 3286, MedGen C5574922, MONDO:0017990.

gnomAD v4.1: 1 of 1,601,070 alleles (0.000062%); highest among the groups gnomAD compares: Non-Finnish European, 0.000085%; no homozygotes.

Submission:

All of Us Research Program, National Institutes of Health
Classification: Uncertain significance for Catecholaminergic polymorphic ventricular tachycardia. Last evaluated: 2023-03-04. Review status: criteria provided, single submitter. Criteria: ACMG Guidelines, 2015. Collection method: clinical testing. Allele origin: germline. Inheritance: Autosomal dominant inheritance. Observed: 1 variant allele, 1 heterozygote.
Comment: This study involves interpretation of variants in research participants for the purpose of population health screening. Participant phenotype was not available at the time of variant classification. Additional details can be found in publication PMID: 35346344, PMCID: PMC8962531

NM_001035.3(RYR2):c.10945G>A (p.Ala3649Thr)

Gene: RYR2 (ryanodine receptor 2; plus strand). Cytogenetic location: 1q43.
Variant type: single nucleotide variant.
Coding change: c.10945G>A on transcript NM_001035.3 (MANE Select); coding-DNA position 10945, G replaced by A.
Protein change: p.Ala3649Thr; replaces alanine 3649 with threonine.
Molecular consequence: missense variant.
Genome position (GRCh38, 1-based): chr1:237,732,055, G>A. VCF-style: chr1-237732055-G-A. GRCh37 (hg19) VCF-style: chr1-237895355-G-A.
Other names: short protein forms A3649T.
Identifiers: ClinVar variation 3069455 (VCV003069455.1), dbSNP rs2527069190, ClinGen allele CA345418913.